The following is an entry in ClinVar:

ClinVar aggregate classification (germline): Likely pathogenic. Review status: criteria provided, multiple submitters, no conflicts (2 of 4 stars). 2 submissions from 2 submitters: Likely pathogenic (2). Last evaluated 2025-06-27.

Conditions:
Marfan Syndrome/Loeys-Dietz Syndrome/Familial Thoracic Aortic Aneurysms and Dissections. Identifiers: MedGen CN229799.
Marfan syndrome (MFS). Also called: Marfan syndrome, classic; Marfan syndrome type 1; Marfan's syndrome; FBN1-Related Marfan Syndrome; MARFAN SYNDROME, TYPE I. Identifiers: Orphanet 284963, Orphanet 558, MedGen C0024796, MONDO:0007947, OMIM 154700.

Submissions (2):

Women's Health and Genetics/Laboratory Corporation of America, LabCorp
Classification: Likely pathogenic for Marfan Syndrome/Loeys-Dietz Syndrome/Familial Thoracic Aortic Aneurysms and Dissections. Last evaluated: 2025-06-27. Review status: criteria provided, single submitter. Criteria: LabCorp Variant Classification Summary - May 2015. Collection method: clinical testing. Allele origin: germline.
Comment: Variant summary: FBN1 c.1714+1G>T is located in a canonical splice-site and is predicted to affect mRNA splicing resulting in a significantly altered protein due to either exon skipping, shortening, or inclusion of intronic material. Variants that disrupt the consensus splice site are a relatively common cause of aberrant splicing and loss of FBN1 function. Several computational tools predict a significant impact on normal splicing: Four predict the variant abolishes a canonical 5' splicing donor site. However, these predictions have yet to be confirmed by functional studies. The variant was absent in 251196 control chromosomes. c.1714+1G>T has been observed in individual(s) affected with Marfan Syndrome (Baumgartner_2005). To our knowledge, no experimental evidence demonstrating an impact on protein function has been reported. The following publication has been ascertained in the context of this evaluation (PMID: 16342915). ClinVar contains an entry for this variant (Variation ID: 928669). Based on the evidence outlined above, the variant was classified as likely pathogenic.

Laboratorio de Genetica e Diagnostico Molecular, Hospital Israelita Albert Einstein
Classification: Likely pathogenic for Marfan syndrome. Last evaluated: 2022-10-14. Review status: criteria provided, single submitter. Criteria: ACMG Guidelines, 2015. Collection method: clinical testing. Allele origin: germline. Affected: yes. Observed: 1 variant allele.
Comment: ACMG classification criteria: PVS1 strong, PS4 supporting, PM2 moderated

Literature cited by the submitters: PubMed 16342915 (cited by Women's Health and Genetics/Laboratory Corporation of America, LabCorp).

NM_000138.5(FBN1):c.1714+1G>T

Gene: FBN1 (fibrillin 1; minus strand). Cytogenetic location: 15q21.1.
Variant type: single nucleotide variant.
Coding change: c.1714+1G>T on transcript NM_000138.5 (MANE Select); the canonical splice donor site of the intron after coding-DNA position 1714, G replaced by T.
Molecular consequence: splice donor variant.
Genome position (GRCh38, 1-based): chr15:48,510,043, C>A on the plus strand (G>T on the coding strand, the complement: FBN1 is on the minus strand). VCF-style: chr15-48510043-C-A. GRCh37 (hg19) VCF-style: chr15-48802240-C-A.
Other names: c.1714+1G>T (NM_001406716.1).
Identifiers: ClinVar variation 928669 (VCV000928669.3), dbSNP rs2043745437, ClinGen allele CA392340884.